The following is an entry in ClinVar:

ClinVar aggregate classification (germline): Uncertain significance (0 of 4 stars; one submission).

Conditions:
ERBIN-related disorder. Also called: ERBIN-related condition.

gnomAD v4.1: 2 of 1,535,010 alleles (0.00013%); highest among the groups gnomAD compares: African/African-American, 0.0027%; no homozygotes.

Submission:

PreventionGenetics, part of Exact Sciences
Classification: Uncertain significance for ERBIN-related condition. Last evaluated: 2024-05-28. Review status: no assertion criteria provided. Collection method: clinical testing. Allele origin: germline.
Comment: The ERBIN c.3650C>A variant is predicted to result in the amino acid substitution p.Ser1217Tyr. To our knowledge, this variant has not been reported in the literature or in a large population database, indicating this variant is rare. At this time, the clinical significance of this variant is uncertain due to the absence of conclusive functional and genetic evidence.

NM_001253697.2(ERBIN):c.3634-3276C>A

Gene: ERBIN (erbb2 interacting protein; plus strand). Cytogenetic location: 5q12.3.
Variant type: single nucleotide variant.
Coding change: c.3634-3276C>A on transcript NM_001253697.2 (MANE Select); 3276 bases into the intron before coding-DNA position 3634, C replaced by A.
Molecular consequence: intron variant. On other transcripts: missense variant (1).
Genome position (GRCh38, 1-based): chr5:66,068,893, C>A. VCF-style: chr5-66068893-C-A. GRCh37 (hg19) VCF-style: chr5-65364721-C-A.
Other names: c.3650C>A, p.Ser1217Tyr (NM_001253699.2); c.3634-6131C>A (NM_018695.4, NM_001253698.2); c.3634-7423C>A (NM_001006600.3); c.3622-6131C>A (NM_001253701.2); short protein forms S1217Y.
Identifiers: ClinVar variation 3345615 (VCV003345615.1).
Genomic context (GRCh38, chr5:66,068,893, plus strand): 5'-CATGCTACACTAATCTCTGTTAAATCTATCCCCTCTTTATTCAGAGCATGCTGTCAAGGT[C>A]CTTTAATTCCAATTTTACTACTGTAAGCAGTTTTCACTGTGGCAGCTCTAGGGATCTGCA-3'